The following is an entry in ClinVar:

NM_001942.4(DSG1):c.1850C>A (p.Pro617Gln)

Genes: DSG1 (desmoglein 1; plus strand), DSG1-AS1 (DSG1 antisense RNA 1; minus strand). Cytogenetic location: 18q12.1.
Variant type: single nucleotide variant.
Coding change: c.1850C>A on transcript NM_001942.4 (MANE Select); coding-DNA position 1850, C replaced by A.
Protein change: p.Pro617Gln; replaces proline 617 with glutamine.
Molecular consequence: missense variant.
Genome position (GRCh38, 1-based): chr18:31,343,954, C>A. VCF-style: chr18-31343954-C-A. GRCh37 (hg19) VCF-style: chr18-28923917-C-A.
Other names: short protein forms P617Q.
Identifiers: ClinVar variation 4707859 (VCV004707859.1).
Genomic context (GRCh38, chr18:31,343,954, plus strand): 5'-TACAAATGGAAATGTTGTTTCCTGTCTTTTAGGATATAACCACTGTCATACCACAAATAC[C>A]ACCTGATAACGCAAATATAATTGAATGCATTGACAACTCAGGTAAGAAAAAAGAATTTGT-3'
Protein context (NP_001933.2, residues 607-627): RDITTVIPQI[Pro617Gln]PDNANIIECI

ClinVar aggregate classification (germline): Uncertain significance (1 of 4 stars; one submission).

gnomAD v4.1: 1 of 1,613,240 alleles (0.000062%); highest among the groups gnomAD compares: Admixed American, 0.0017%; no homozygotes.

Submission:

Labcorp Genetics (formerly Invitae), Labcorp
Classification: Uncertain significance. Last evaluated: 2025-11-25. Review status: criteria provided, single submitter. Criteria: Invitae Variant Classification Sherloc (09022015). Collection method: clinical testing. Allele origin: germline.
Comment: This sequence change replaces proline, which is neutral and non-polar, with glutamine, which is neutral and polar, at codon 617 of the DSG1 protein (p.Pro617Gln). This variant is not present in population databases (gnomAD no frequency). This variant has not been reported in the literature in individuals affected with DSG1-related conditions. Invitae Evidence Modeling of protein sequence and biophysical properties (such as structural, functional, and spatial information, amino acid conservation, physicochemical variation, residue mobility, and thermodynamic stability) indicates that this missense variant is not expected to disrupt DSG1 protein function with a negative predictive value of 80%. In summary, the available evidence is currently insufficient to determine the role of this variant in disease. Therefore, it has been classified as a Variant of Uncertain Significance.